The following is an entry in ClinVar:

NM_000057.4(BLM):c.2001T>G (p.Asn667Lys)

Gene: BLM (BLM RecQ like helicase; plus strand). Cytogenetic location: 15q26.1.
Variant type: single nucleotide variant.
Coding change: c.2001T>G on transcript NM_000057.4 (MANE Select); coding-DNA position 2001, T replaced by G.
Protein change: p.Asn667Lys; replaces asparagine 667 with lysine.
Molecular consequence: missense variant.
Genome position (GRCh38, 1-based): chr15:90,763,084, T>G. VCF-style: chr15-90763084-T-G. GRCh37 (hg19) VCF-style: chr15-91306314-T-G.
Other names: c.2001T>G, p.Asn667Lys (NM_001287246.2, NM_001287247.2); c.876T>G, p.Asn292Lys (NM_001287248.2); short protein forms N292K, N667K.
Identifiers: ClinVar variation 1784260 (VCV001784260.2), dbSNP rs2505435038, ClinGen allele CA393844332.

ClinVar aggregate classification (germline): Uncertain significance (1 of 4 stars; one submission).

Conditions:
Hereditary cancer-predisposing syndrome. Also called: Neoplastic Syndromes, Hereditary; Tumor predisposition; Hereditary Cancer Syndrome; Hereditary neoplastic syndrome. Identifiers: Orphanet 140162, MedGen C0027672, MeSH D009386, MONDO:0015356.

Submission:

Ambry Genetics
Classification: Uncertain significance for Hereditary cancer-predisposing syndrome. Last evaluated: 2020-03-12. Review status: criteria provided, single submitter. Criteria: Ambry Variant Classification Scheme 2023. Collection method: clinical testing. Allele origin: germline.
Comment: The p.N667K variant (also known as c.2001T>G), located in coding exon 7 of the BLM gene, results from a T to G substitution at nucleotide position 2001. The asparagine at codon 667 is replaced by lysine, an amino acid with similar properties. This amino acid position is not well conserved in available vertebrate species. In addition, this alteration is predicted to be tolerated by in silico analysis. Since supporting evidence is limited at this time, the clinical significance of this alteration remains unclear.